The following is an entry in ClinVar:

ClinVar aggregate classification (germline): Uncertain significance (1 of 4 stars; one submission).

Submission:

GeneDx
Classification: Uncertain significance. Last evaluated: 2024-05-31. Review status: criteria provided, single submitter. Criteria: GeneDx Variant Classification Process June 2021. Collection method: clinical testing. Allele origin: germline. Affected: yes.
Comment: Not observed at significant frequency in large population cohorts (gnomAD); In silico analysis supports that this missense variant has a deleterious effect on protein structure/function; Has not been previously published as pathogenic or benign to our knowledge

NM_175876.5(EXOC8):c.1003G>A (p.Glu335Lys)

Gene: EXOC8 (exocyst complex component 8; minus strand). Cytogenetic location: 1q42.2.
Variant type: single nucleotide variant.
Coding change: c.1003G>A on transcript NM_175876.5 (MANE Select); coding-DNA position 1003, G replaced by A.
Protein change: p.Glu335Lys; replaces glutamic acid 335 with lysine.
Molecular consequence: missense variant.
Genome position (GRCh38, 1-based): chr1:231,336,743, C>T on the plus strand (G>A on the coding strand, the complement: EXOC8 is on the minus strand). VCF-style: chr1-231336743-C-T. GRCh37 (hg19) VCF-style: chr1-231472489-C-T.
Other names: short protein forms E335K.
Identifiers: ClinVar variation 3384451 (VCV003384451.1).
Genomic context (GRCh38, chr1:231,336,743, plus strand): 5'-CTTCAAAGTCTCTCTGCGCAATGCAGACATCCAGGTCTTCAGGTAACTCCTGGATCCATT[C>T]CATGGAGAGGTCCACCTTCTCTTCCTCTACCTCAGGAACAGCTGGTTCTTCTTCTTCGTC-3'
Protein context (NP_787072.2, residues 325-345): VEEEKVDLSM[Glu335Lys]WIQELPEDLD